The following is an entry in ClinVar:

NM_001792.5(CDH2):c.383C>G (p.Thr128Ser)

Gene: CDH2 (cadherin 2; minus strand). Cytogenetic location: 18q12.1.
Variant type: single nucleotide variant.
Coding change: c.383C>G on transcript NM_001792.5 (MANE Select); coding-DNA position 383, C replaced by G.
Protein change: p.Thr128Ser; replaces threonine 128 with serine.
Molecular consequence: missense variant.
Genome position (GRCh38, 1-based): chr18:28,013,699, G>C on the plus strand (C>G on the coding strand, the complement: CDH2 is on the minus strand). VCF-style: chr18-28013699-G-C. GRCh37 (hg19) VCF-style: chr18-25593663-G-C.
Other names: c.383C>G (NM_001792.3); c.290C>G, p.Thr97Ser (NM_001308176.2); short protein forms T128S, T97S.
Identifiers: ClinVar variation 1443898 (VCV001443898.9), dbSNP rs199902980, ClinGen allele CA8923711.

ClinVar aggregate classification (germline): Uncertain significance. Review status: criteria provided, multiple submitters, no conflicts (2 of 4 stars). 2 submissions from 2 submitters: Uncertain significance (2). Last evaluated 2025-10-02.

Conditions:
Inborn genetic diseases. Identifiers: MedGen C0950123, MeSH D030342.

Allele frequency attached by ClinVar (database versions not stated): ESP Exome Variant Server 0.00008.
gnomAD v4.1: 10 of 1,613,274 alleles (0.00062%); highest among the groups gnomAD compares: Admixed American, 0.005%; no homozygotes.

Submissions (2):

Ambry Genetics
Classification: Uncertain significance for Inborn genetic diseases. Last evaluated: 2025-10-02. Review status: criteria provided, single submitter. Criteria: Ambry Variant Classification Scheme 2023. Collection method: clinical testing. Allele origin: germline.

Labcorp Genetics (formerly Invitae), Labcorp
Classification: Uncertain significance. Last evaluated: 2025-01-29. Review status: criteria provided, single submitter. Criteria: Invitae Variant Classification Sherloc (09022015). Collection method: clinical testing. Allele origin: germline.
Comment: This sequence change replaces threonine, which is neutral and polar, with serine, which is neutral and polar, at codon 128 of the CDH2 protein (p.Thr128Ser). This variant is present in population databases (rs199902980, gnomAD 0.009%). This variant has not been reported in the literature in individuals affected with CDH2-related conditions. ClinVar contains an entry for this variant (Variation ID: 1443898). An algorithm developed to predict the effect of missense changes on protein structure and function outputs the following: PolyPhen-2: "Benign". The serine amino acid residue is found in multiple mammalian species, which suggests that this missense change does not adversely affect protein function. In summary, the available evidence is currently insufficient to determine the role of this variant in disease. Therefore, it has been classified as a Variant of Uncertain Significance.